The following is an entry in ClinVar:

ClinVar aggregate classification (germline): Uncertain significance. Review status: criteria provided, multiple submitters, no conflicts (2 of 4 stars). 2 submissions from 2 submitters: Uncertain significance (2). Last evaluated 2025-11-05.

Conditions:
Developmental and epileptic encephalopathy, 14 (DEE14). Also called: Early infantile epileptic encephalopathy 14. Identifiers: Orphanet 293181, MedGen C3554195, MONDO:0013989, OMIM 614959.
Autosomal dominant nocturnal frontal lobe epilepsy 5. Also called: Epilepsy, nocturnal frontal lobe, 5; CILIARY DYSKINESIA, PRIMARY, 28, WITH SITUS INVERSUS; CILIARY DYSKINESIA, PRIMARY, 28, WITHOUT SITUS INVERSUS; KCNT1-Related Epilepsy. Identifiers: Orphanet 98784, MedGen C3554306, MONDO:0014002, OMIM 615005.
Inborn genetic diseases. Identifiers: MedGen C0950123, MeSH D030342.

Allele frequency attached by ClinVar (database versions not stated): gnomAD 0.00001; gnomAD exomes 0.00001; TOPMed 0.00002.
gnomAD v4.1: 12 of 1,612,702 alleles (0.00074%); highest among the groups gnomAD compares: Admixed American, 0.0017%; no homozygotes.

Submissions (2):

Ambry Genetics
Classification: Uncertain significance for Inborn genetic diseases. Last evaluated: 2025-11-05. Review status: criteria provided, single submitter. Criteria: Ambry Variant Classification Scheme 2023. Collection method: clinical testing. Allele origin: germline.

Labcorp Genetics (formerly Invitae), Labcorp
Classification: Uncertain significance for Autosomal dominant nocturnal frontal lobe epilepsy 5; Developmental and epileptic encephalopathy, 14. Last evaluated: 2025-08-18. Review status: criteria provided, single submitter. Criteria: Invitae Variant Classification Sherloc (09022015). Collection method: clinical testing. Allele origin: germline.
Comment: This sequence change replaces serine, which is neutral and polar, with threonine, which is neutral and polar, at codon 198 of the KCNT1 protein (p.Ser198Thr). This variant is present in population databases (no rsID available, gnomAD 0.004%). This variant has not been reported in the literature in individuals affected with KCNT1-related conditions. ClinVar contains an entry for this variant (Variation ID: 2047408). Invitae Evidence Modeling of protein sequence and biophysical properties (such as structural, functional, and spatial information, amino acid conservation, physicochemical variation, residue mobility, and thermodynamic stability) indicates that this missense variant is not expected to disrupt KCNT1 protein function with a negative predictive value of 80%. In summary, the available evidence is currently insufficient to determine the role of this variant in disease. Therefore, it has been classified as a Variant of Uncertain Significance.

NM_020822.3(KCNT1):c.593G>C (p.Ser198Thr)

Gene: KCNT1 (potassium sodium-activated channel subfamily T member 1; plus strand). Cytogenetic location: 9q34.3.
Variant type: single nucleotide variant.
Coding change: c.593G>C on transcript NM_020822.3 (MANE Select); coding-DNA position 593, G replaced by C.
Protein change: p.Ser198Thr; replaces serine 198 with threonine.
Molecular consequence: missense variant.
Genome position (GRCh38, 1-based): chr9:135,756,925, G>C. VCF-style: chr9-135756925-G-C. GRCh37 (hg19) VCF-style: chr9-138648771-G-C.
Other names: c.449G>C, p.Ser150Thr (NM_001272003.2); c.593G>C (NM_020822.2); short protein forms S198T, S150T.
Identifiers: ClinVar variation 2047408 (VCV002047408.5), dbSNP rs1229138685, ClinGen allele CA375497168.